The following is an entry in ClinVar:

ClinVar aggregate classification (germline): Pathogenic (1 of 4 stars; one submission).

Submission:

Labcorp Genetics (formerly Invitae), Labcorp
Classification: Pathogenic. Last evaluated: 2024-05-15. Review status: criteria provided, single submitter. Criteria: Invitae Variant Classification Sherloc (09022015). Collection method: clinical testing. Allele origin: germline.
Comment: This sequence change creates a premature translational stop signal (p.Ser182Lysfs*13) in the MBD4 gene. It is expected to result in an absent or disrupted protein product. Loss-of-function variants in MBD4 are known to be pathogenic (PMID: 30049810, 35460607). This variant is not present in population databases (gnomAD no frequency). This variant has not been reported in the literature in individuals affected with MBD4-related conditions. For these reasons, this variant has been classified as Pathogenic.

Literature cited by the submitters: PubMed 30049810; PubMed 35460607.

NM_001276270.2(MBD4):c.542dup (p.Ser182fs)

Gene: MBD4 (methyl-CpG binding domain 4, DNA glycosylase; minus strand). Cytogenetic location: 3q21.3.
Variant type: Duplication.
Coding change: c.542dup on transcript NM_001276270.2 (MANE Select); coding-DNA position 542, one base duplicated (G; older notation c.542dupG).
Protein change: p.Ser182fs; shifts the reading frame from serine 182.
Molecular consequence: frameshift variant. On other transcripts: intron variant (1).
Genome position (GRCh38, 1-based): chr3:129,437,102, C duplicated on the plus strand (G on the coding strand, the reverse complement: MBD4 is on the minus strand). VCF-style (leftmost placement, unchanged base first): chr3-129437101-T-TC. GRCh37 (hg19) VCF-style: chr3-129155944-T-TC.
Other names: c.542dup, p.Ser182fs (NM_001276271.2, NM_001276272.2, NM_003925.3); c.247+706dup (NM_001276273.2); short protein forms S182fs.
Identifiers: ClinVar variation 3653448 (VCV003653448.2).